The following is an entry in ClinVar:

NM_001278293.3(ARL6):c.17G>C (p.Arg6Thr)

Gene: ARL6 (ARF like GTPase 6; plus strand). Cytogenetic location: 3q11.2.
Variant type: single nucleotide variant.
Coding change: c.17G>C on transcript NM_001278293.3 (MANE Select); coding-DNA position 17, G replaced by C.
Protein change: p.Arg6Thr; replaces arginine 6 with threonine.
Molecular consequence: missense variant. On other transcripts: non-coding transcript variant (7).
Genome position (GRCh38, 1-based): chr3:97,768,124, G>C. VCF-style: chr3-97768124-G-C. GRCh37 (hg19) VCF-style: chr3-97486968-G-C.
Other names: c.17G>C, p.Arg6Thr (NM_001323513.2, NM_001323514.2, NM_032146.5 and 1 more transcripts); short protein forms R6T.
Identifiers: ClinVar variation 1346437 (VCV001346437.6), dbSNP rs751957701, ClinGen allele CA2505835.
Genomic context (GRCh38, chr3:97,768,124, plus strand): 5'-TTTTTTCTTAATTGCAGCTGGTTTGTAAATATTTGAATCACATTATGGGATTGCTAGACA[G>C]ACTTTCAGTCTTGCTTGGCCTGAAGAAGAAGGAGGTTCATGTTTTGTGCCTTGGGCTAGA-3'
Protein context (NP_001265222.1, residues 1-16): MGLLD[Arg6Thr]LSVLLGLKKK

ClinVar aggregate classification (germline): Uncertain significance. Review status: criteria provided, multiple submitters, no conflicts (2 of 4 stars). 2 submissions from 2 submitters: Uncertain significance (2). Last evaluated 2024-01-08.

Conditions:
Bardet-Biedl syndrome 1 (BBS1). Identifiers: MedGen C2936862, MONDO:0008854, OMIM 209900. Disease mechanism: loss of function.
Bardet-Biedl syndrome 3 (BBS3). Identifiers: Orphanet 110, MedGen C1859564, MONDO:0010832, OMIM 600151.
Retinitis pigmentosa 55 (RP55). Identifiers: Orphanet 791, MedGen C3150808, MONDO:0013312, OMIM 613575.

Allele frequency attached by ClinVar (database versions not stated): ExAC 0.00002; gnomAD exomes 0.00002.
gnomAD v4.1: 78 of 1,612,870 alleles (0.0048%); highest among the groups gnomAD compares: Non-Finnish European, 0.0064%; no homozygotes.

Submissions (2):

Fulgent Genetics
Classification: Uncertain significance for Bardet-Biedl syndrome 1; Bardet-Biedl syndrome 3; Retinitis pigmentosa 55. Last evaluated: 2024-01-08. Review status: criteria provided, single submitter. Criteria: ACMG Guidelines, 2015. Collection method: clinical testing. Allele origin: germline.

Labcorp Genetics (formerly Invitae), Labcorp
Classification: Uncertain significance for Retinitis pigmentosa 55; Bardet-Biedl syndrome 3. Last evaluated: 2021-09-24. Review status: criteria provided, single submitter. Criteria: Invitae Variant Classification Sherloc (09022015). Collection method: clinical testing. Allele origin: germline.
Comment: This sequence change replaces arginine with threonine at codon 6 of the ARL6 protein (p.Arg6Thr). The arginine residue is weakly conserved and there is a moderate physicochemical difference between arginine and threonine. This variant is present in population databases (rs751957701, ExAC 0.004%). This variant has not been reported in the literature in individuals with ARL6-related conditions. Algorithms developed to predict the effect of missense changes on protein structure and function (SIFT, PolyPhen-2, Align-GVGD) all suggest that this variant is likely to be tolerated, but these predictions have not been confirmed by published functional studies and their clinical significance is uncertain. In summary, the available evidence is currently insufficient to determine the role of this variant in disease. Therefore, it has been classified as a Variant of Uncertain Significance.